The following is an entry in ClinVar:

NM_152618.3(BBS12):c.1421G>A (p.Trp474Ter)

Gene: BBS12 (Bardet-Biedl syndrome 12; plus strand). Cytogenetic location: 4q27.
Variant type: single nucleotide variant.
Coding change: c.1421G>A on transcript NM_152618.3 (MANE Select); coding-DNA position 1421, G replaced by A.
Protein change: p.Trp474Ter; replaces tryptophan 474 with a stop codon.
Molecular consequence: nonsense.
Genome position (GRCh38, 1-based): chr4:122,743,313, G>A. VCF-style: chr4-122743313-G-A. GRCh37 (hg19) VCF-style: chr4-123664468-G-A.
Other names: c.1421G>A, p.Trp474Ter (NM_001178007.2); short protein forms W474*.
Identifiers: ClinVar variation 4081837 (VCV004081837.1).

ClinVar aggregate classification (germline): Pathogenic (1 of 4 stars; one submission).

Conditions:
Bardet-Biedl syndrome 12 (BBS12). Identifiers: Orphanet 110, MedGen C1859570, MONDO:0014440, OMIM 615989.

Submission:

Myriad Genetics, Inc.
Classification: Pathogenic for Bardet-Biedl syndrome 12. Last evaluated: 2025-07-14. Review status: criteria provided, single submitter. Criteria: Myriad Autosomal Dominant, Autosomal Recessive and X-Linked Classification Criteria (2023). Collection method: clinical testing. Allele origin: unknown.
Comment: NM_152618.2(BBS12):c.1421G>A(W474*) is a nonsense variant classified as pathogenic in the context of Bardet-Biedl syndrome, BBS12-related. W474* has not been observed in cases with relevant disease. Relevant functional assessments of this variant are not available in the literature. W474* has not been observed in referenced population frequency databases. In summary, NM_152618.2(BBS12):c.1421G>A(W474*) is a nonsense variant in a gene where loss of function is a known mechanism of disease and is predicted to disrupt protein function. Please note: this variant was assessed in the context of healthy population screening.